The following is an entry in ClinVar:

ClinVar aggregate classification (germline): Uncertain significance (1 of 4 stars; one submission).

Submission:

Clinical Genomics Laboratory, Laboratory for Precision Diagnostics, University of Washington
Classification: Uncertain significance. Last evaluated: 2021-10-28. Review status: criteria provided, single submitter. Criteria: ACMG/ClinGen CNV Guidelines, 2019. Collection method: clinical testing. Allele origin: unknown. Affected: yes. Observed: 1 variant allele.

GRCh38/hg38 2q36.1(chr2:220954472-221536366)x1

Genes: EPHA4 (EPH receptor A4; minus strand), LOC121725115 (Sharpr-MPRA regulatory region 6063; plus strand), LOC121725116 (P300/CBP strongly-dependent group 1 enhancer GRCh37_chr2:222381886-222383085; plus strand), LOC126806527 (BRD4-independent group 4 enhancer GRCh37_chr2:222289669-222290868; plus strand), LOC132088821 (Neanderthal introgressed variant-containing enhancer experimental_57049; plus strand). Cytogenetic location: 2q36.1.
Variant type: copy number loss.
Change: copy number 1 (one copy instead of two) of chr2:220,954,472-221,536,366 (581.9 kb, GRCh38 coordinates, 1-based), cytogenetic band 2q36.1.
Identifiers: ClinVar variation 4755367 (VCV004755367.1).